The following is an entry in ClinVar:

ClinVar aggregate classification (germline): Pathogenic/Likely pathogenic. Review status: criteria provided, multiple submitters, no conflicts (2 of 4 stars). 2 submissions from 2 submitters: Pathogenic (1); Likely pathogenic (1). Last evaluated 2023-12-11.

Conditions:
Hypotonia, infantile, with psychomotor retardation and characteristic facies 2 (IHPRF2). Also called: UNC80 Deficiency. Identifiers: Orphanet 371364, Orphanet 700333, MedGen C4225203, MONDO:0014777, OMIM 616801.

Allele frequency attached by ClinVar (database versions not stated): TOPMed 0.00001.
gnomAD v4.1: 6 of 1,548,170 alleles (0.00039%); highest among the groups gnomAD compares: Middle Eastern, 0.017%; no homozygotes.

Submissions (2):

Labcorp Genetics (formerly Invitae), Labcorp
Classification: Pathogenic. Last evaluated: 2023-12-11. Review status: criteria provided, single submitter. Criteria: Invitae Variant Classification Sherloc (09022015). Collection method: clinical testing. Allele origin: germline.
Comment: This sequence change creates a premature translational stop signal (p.Arg824*) in the UNC80 gene. It is expected to result in an absent or disrupted protein product. Loss-of-function variants in UNC80 are known to be pathogenic (PMID: 26545877, 26708751, 26708753). This variant is not present in population databases (gnomAD no frequency). This variant has not been reported in the literature in individuals affected with UNC80-related conditions. ClinVar contains an entry for this variant (Variation ID: 1357913). Algorithms developed to predict the effect of sequence changes on RNA splicing suggest that this variant may disrupt the consensus splice site. For these reasons, this variant has been classified as Pathogenic.

Juno Genomics, Hangzhou Juno Genomics, Inc
Classification: Likely pathogenic for Hypotonia, infantile, with psychomotor retardation and characteristic facies 2. Review status: criteria provided, single submitter. Criteria: ACMG Guidelines, 2015. Collection method: clinical testing. Allele origin: germline.
Comment: Null variant in a gene where loss of function (LOF) is a known mechanism of disease.;Absent from controls (or at extremely low frequency if recessive) in Genome Aggregation Database.

Literature cited by the submitters: PubMed 26545877 (cited by Labcorp Genetics (formerly Invitae), Labcorp); PubMed 26708751 (cited by Labcorp Genetics (formerly Invitae), Labcorp); PubMed 26708753 (cited by Labcorp Genetics (formerly Invitae), Labcorp).

NM_001371986.1(UNC80):c.2470C>T (p.Arg824Ter)

Gene: UNC80 (unc-80 subunit of NALCN channel complex; plus strand). Cytogenetic location: 2q34.
Variant type: single nucleotide variant.
Coding change: c.2470C>T on transcript NM_001371986.1 (MANE Select); coding-DNA position 2470, C replaced by T.
Protein change: p.Arg824Ter; replaces arginine 824 with a stop codon.
Molecular consequence: nonsense. On other transcripts: intron variant (1).
Genome position (GRCh38, 1-based): chr2:209,826,045, C>T. VCF-style: chr2-209826045-C-T. GRCh37 (hg19) VCF-style: chr2-210690769-C-T.
Other names: c.2470C>T, p.Arg824Ter (NM_032504.2); c.2463+7C>T (NM_182587.4); short protein forms R824*.
Identifiers: ClinVar variation 1357913 (VCV001357913.8), dbSNP rs1274923045, ClinGen allele CA350137469.
Genomic context (GRCh38, chr2:209,826,045, plus strand): 5'-TATGGTTGTGGTGAAGGACACCGAGGGCTCTCTGGAGATCGTCTGAGACACCAGGTATTC[C>T]GAGAGAATGTAAGAGAATTAAAGTAGATTCCATTTCCTCTCCCTCTTCCTTCCCTTCTGT-3'